The following is an entry in ClinVar:

ClinVar aggregate classification (germline): Likely pathogenic (0 of 4 stars; one submission).

Submission:

Quest Diagnostics Nichols Institute San Juan Capistrano
Classification: Likely pathogenic. Last evaluated: 2020-10-31. Review status: no assertion criteria provided. Collection method: clinical testing. Allele origin: germline.
Comment: This copy number loss involves two genes, including intragenic portion of NBEA (exons 39-41; NM_015678.4) (OMIM 604889). NBEA haploinsufficiency is associated with a complex neurodevelopmental disorder characterized by autism, epilepsy, and other related features (Mulhern et al., Ann Neurol. 2018 Nov;84(5):788-795. PMID: 30269351). Due to the characteristics of the gene involved, the clinical significance of this copy number variation (CNV) has been interpreted as likely pathogenic.

GRCh37/hg19 13q13.3(chr13:35951031-36115573)x1

Genes: MAB21L1 (mab-21 like 1; minus strand), NBEA (neurobeachin; plus strand). Cytogenetic location: 13q13.3.
Variant type: copy number loss.
Change: copy number 1 (one copy instead of two) of chr13:35,951,031-36,115,573 (164.5 kb, GRCh37 coordinates, 1-based), cytogenetic band 13q13.3.
Identifiers: ClinVar variation 1341245 (VCV001341245.1).